The following is an entry in ClinVar:

ClinVar aggregate classification (germline): Uncertain significance (1 of 4 stars; one submission).

Allele frequency attached by ClinVar (database versions not stated): TOPMed below 0.00001.

Submission:

Labcorp Genetics (formerly Invitae), Labcorp
Classification: Uncertain significance. Last evaluated: 2021-08-24. Review status: criteria provided, single submitter. Criteria: Invitae Variant Classification Sherloc (09022015). Collection method: clinical testing. Allele origin: germline.
Comment: This sequence change replaces alanine with threonine at codon 1288 of the SZT2 protein (p.Ala1288Thr). The alanine residue is highly conserved and there is a small physicochemical difference between alanine and threonine. This variant is not present in population databases (ExAC no frequency). This variant has not been reported in the literature in individuals affected with SZT2-related conditions. Algorithms developed to predict the effect of missense changes on protein structure and function output the following: SIFT: "Deleterious"; PolyPhen-2: "Benign"; Align-GVGD: "Class C0". The threonine amino acid residue is found in multiple mammalian species, which suggests that this missense change does not adversely affect protein function. In summary, the available evidence is currently insufficient to determine the role of this variant in disease. Therefore, it has been classified as a Variant of Uncertain Significance.

NM_001365999.1(SZT2):c.4033G>A (p.Ala1345Thr)

Gene: SZT2 (SZT2 subunit of KICSTOR complex; plus strand). Cytogenetic location: 1p34.2.
Variant type: single nucleotide variant.
Coding change: c.4033G>A on transcript NM_001365999.1 (MANE Select); coding-DNA position 4033, G replaced by A.
Protein change: p.Ala1345Thr; replaces alanine 1345 with threonine.
Molecular consequence: missense variant.
Genome position (GRCh38, 1-based): chr1:43,428,353, G>A. VCF-style: chr1-43428353-G-A. GRCh37 (hg19) VCF-style: chr1-43894024-G-A.
Other names: c.3862G>A, p.Ala1288Thr (NM_015284.4); short protein forms A1288T, A1345T.
Identifiers: ClinVar variation 958420 (VCV000958420.7), dbSNP rs995664697, ClinGen allele CA21635029.